The following is an entry in ClinVar:

ClinVar aggregate classification (germline): Likely benign. Review status: criteria provided, multiple submitters, no conflicts (2 of 4 stars). 3 submissions from 3 submitters: Likely benign (2). 1 of the submissions does not count toward it. Last evaluated 2025-10-05.

Conditions:
Kabuki syndrome. Also called: Kabuki make-up syndrome; NIIKAWA-KUROKI SYNDROME. Identifiers: Orphanet 2322, MedGen C0796004, MONDO:0016512.
KMT2D-related disorder. Also called: KMT2D-Related Disorders.

Allele frequency attached by ClinVar (database versions not stated): gnomAD exomes 0.00006 and 0.00021; ExAC 0.00008; gnomAD 0.00011; TOPMed 0.00011; ESP Exome Variant Server 0.00034.

Submissions (3):

Labcorp Genetics (formerly Invitae), Labcorp
Classification: Likely benign for Kabuki syndrome. Last evaluated: 2025-10-05. Review status: criteria provided, single submitter. Criteria: Invitae Variant Classification Sherloc (09022015). Collection method: clinical testing. Allele origin: germline.

GeneDx
Classification: Likely benign. Last evaluated: 2021-06-21. Review status: criteria provided, single submitter. Criteria: GeneDx Variant Classification Process June 2021. Collection method: clinical testing. Allele origin: germline. Affected: yes.

PreventionGenetics, part of Exact Sciences
Classification: Likely benign for KMT2D-related condition. Last evaluated: 2023-07-10. Review status: no assertion criteria provided. Collection method: clinical testing. Allele origin: germline. Not counted in ClinVar's aggregate classification.
Comment: This variant is classified as likely benign based on ACMG/AMP sequence variant interpretation guidelines (Richards et al. 2015 PMID: 25741868, with internal and published modifications).

NM_003482.4(KMT2D):c.13795G>A (p.Ala4599Thr)

Gene: KMT2D (lysine methyltransferase 2D; minus strand). Cytogenetic location: 12q13.12.
Variant type: single nucleotide variant.
Coding change: c.13795G>A on transcript NM_003482.4 (MANE Select); coding-DNA position 13795, G replaced by A.
Protein change: p.Ala4599Thr; replaces alanine 4599 with threonine.
Molecular consequence: missense variant.
Genome position (GRCh38, 1-based): chr12:49,030,645, C>T on the plus strand (G>A on the coding strand, the complement: KMT2D is on the minus strand). VCF-style: chr12-49030645-C-T. GRCh37 (hg19) VCF-style: chr12-49424428-C-T.
Other names: short protein forms A4599T.
Identifiers: ClinVar variation 1195722 (VCV001195722.12), dbSNP rs201879072, ClinGen allele CA6545905.